The following is an entry in ClinVar:

NM_017780.4(CHD7):c.5499_5500del (p.Gly1835fs)

Gene: CHD7 (chromodomain helicase DNA binding protein 7; plus strand). Cytogenetic location: 8q12.2.
Variant type: Deletion.
Coding change: c.5499_5500del on transcript NM_017780.4 (MANE Select); coding-DNA positions 5499 to 5500, 2 bases deleted (AA; older notation c.5499_5500delAA).
Protein change: p.Gly1835fs; shifts the reading frame from glycine 1835.
Molecular consequence: frameshift variant. On other transcripts: intron variant (1).
Genome position (GRCh38, 1-based): chr8:60,850,587-60,850,588, AA deleted; deleting any 2 consecutive bases within chr8:60,850,586-60,850,588 gives the same sequence; the c. name uses the placement nearest the transcript's 3' end. VCF-style (leftmost placement, unchanged base first): chr8-60850585-CAA-C. GRCh37 (hg19) VCF-style: chr8-61763144-CAA-C.
Other names: c.1717-11642_1717-11641del (NM_001316690.1); short protein forms G1835fs.
Identifiers: ClinVar variation 3367164 (VCV003367164.2).
Genomic context (GRCh38, chr8:60,850,585, plus strand): 5'-CCCGCGCTGTGCTTTCTGGAACGAGTCGGTATGCCTGATGCCAAGGCCATAGCTGCCGAG[CAA>C]AGAGGAACAGACATGCTAGCAGATGGTGGTGACGGGTAAGAAGGACATTTTAAAATTTGA-3'

ClinVar aggregate classification (germline): Pathogenic (1 of 4 stars; one submission).

Conditions:
CHARGE syndrome (CHARGE). Also called: Hittner Hirsch Kreh syndrome; CHARGE ASSOCIATION--COLOBOMA, HEART ANOMALY, CHOANAL ATRESIA, RETARDATION, GENITAL AND EAR ANOMALIES; Coloboma, heart anomaly, choanal atresia, retardation, genital and ear anomalies; CHARGE association; Hall-Hittner syndrome. Identifiers: Orphanet 138, MedGen C0265354, MONDO:0008965.

Submission:

Molecular Genetics Laboratory, Motol Hospital
Classification: Pathogenic for CHD7-related CHARGE syndrome. Last evaluated: 2024-10-24. Review status: criteria provided, single submitter. Criteria: ACMG Guidelines, 2015. Collection method: clinical testing. Allele origin: de novo. Affected: yes. Observed: 1 variant allele.
Comment: The variant was confirmed to be of a de novo origin. De novo truncating variations (nonsense, frameshift) leading to haploinsufficiency were well documented as causative in the pathogenesis of CHARGE syndrome (OMIM:214800). To conclude, the variant is classified as pathogenic (ACMG PVS1, PS, PM2).

Literature cited by the submitters: PubMed 20624498; PubMed 18073582; PubMed 33844462; PubMed 35938004.